The following is an entry in ClinVar:

NM_001038.6(SCNN1A):c.385G>A (p.Ala129Thr)

Gene: SCNN1A (sodium channel epithelial 1 subunit alpha; minus strand). Cytogenetic location: 12p13.31.
Variant type: single nucleotide variant.
Coding change: c.385G>A on transcript NM_001038.6 (MANE Select); coding-DNA position 385, G replaced by A.
Protein change: p.Ala129Thr; replaces alanine 129 with threonine.
Molecular consequence: missense variant.
Genome position (GRCh38, 1-based): chr12:6,374,399, C>T on the plus strand (G>A on the coding strand, the complement: SCNN1A is on the minus strand). VCF-style: chr12-6374399-C-T. GRCh37 (hg19) VCF-style: chr12-6483565-C-T.
Other names: c.454G>A, p.Ala152Thr (NM_001159575.2); c.562G>A, p.Ala188Thr (NM_001159576.2); c.385G>A (NM_001038.5); short protein forms A129T, A188T, A152T.
Identifiers: ClinVar variation 587486 (VCV000587486.7), dbSNP rs141756749, ClinGen allele CA6406239.

ClinVar aggregate classification (germline): Uncertain significance. Review status: criteria provided, multiple submitters, no conflicts (2 of 4 stars). 4 submissions from 3 submitters: Uncertain significance (4). Last evaluated 2024-05-02.

Conditions:
Bronchiectasis with or without elevated sweat chloride 2 (BESC2). Identifiers: Orphanet 60033, MedGen C2751666, MONDO:0013087, OMIM 613021.
Liddle syndrome 3. Identifiers: MedGen C4748292, MONDO:0029132, OMIM 618126.
Pseudohypoaldosteronism, type IB1, autosomal recessive. Also called: Autosomal recessive pseudohypoaldosteronism type 1; PHA I, AUTOSOMAL RECESSIVE; Pseudohypoaldosteronism, Type I, Recessive; Pseudohypoaldosteronism, Type I, Autosomal Recessive. Identifiers: Orphanet 171876, Orphanet 756, MedGen C5774176, MONDO:0009917, OMIM 264350.

Allele frequency attached by ClinVar (database versions not stated): gnomAD 0.00006; TOPMed 0.00006.

Submissions (4):

Fulgent Genetics
Classification: Uncertain significance for Pseudohypoaldosteronism, type IB1, autosomal recessive; Bronchiectasis with or without elevated sweat chloride 2; Liddle syndrome 3. Last evaluated: 2024-05-02. Review status: criteria provided, single submitter. Criteria: ACMG Guidelines, 2015. Collection method: clinical testing. Allele origin: germline.

GeneDx
Classification: Uncertain significance. Last evaluated: 2024-01-30. Review status: criteria provided, single submitter. Criteria: GeneDx Variant Classification Process June 2021. Collection method: clinical testing. Allele origin: germline. Affected: yes.
Comment: In silico analysis supports that this missense variant has a deleterious effect on protein structure/function; Has not been previously published as pathogenic or benign to our knowledge

Genomic Research Center, Shahid Beheshti University of Medical Sciences
Classification: Uncertain significance for Pseudohypoaldosteronism type 1 autosomal recessive. Last evaluated: 2018-08-07. Review status: criteria provided, single submitter. Criteria: ACMG Guidelines, 2015. Collection method: clinical testing. Allele origin: inherited. Affected: yes. Observed: 1 variant allele.

Genomic Research Center, Shahid Beheshti University of Medical Sciences
Classification: Uncertain significance for Bronchiectasis with or without elevated sweat chloride 2. Last evaluated: 2018-08-07. Review status: criteria provided, single submitter. Criteria: ACMG Guidelines, 2015. Collection method: clinical testing. Allele origin: inherited. Affected: yes. Observed: 1 variant allele.